The following is an entry in ClinVar:

ClinVar aggregate classification (germline): Uncertain significance. Review status: criteria provided, multiple submitters, no conflicts (2 of 4 stars). 2 submissions from 2 submitters: Uncertain significance (2). Last evaluated 2026-06-14.

Conditions:
Hereditary cancer-predisposing syndrome. Also called: Hereditary neoplastic syndrome; Tumor predisposition; Hereditary Cancer Syndrome; Neoplastic Syndromes, Hereditary. Identifiers: Orphanet 140162, MedGen C0027672, MeSH D009386, MONDO:0015356.

Submissions (2):

Ambry Genetics
Classification: Uncertain significance for Hereditary cancer-predisposing syndrome. Last evaluated: 2026-06-14. Review status: criteria provided, single submitter. Criteria: Ambry Variant Classification Scheme 2023. Collection method: clinical testing. Allele origin: germline.
Comment: The p.T124S variant (also known as c.371C>G), located in coding exon 3 of the XRCC2 gene, results from a C to G substitution at nucleotide position 371. The threonine at codon 124 is replaced by serine, an amino acid with similar properties. This amino acid position is conserved. In addition, this alteration is predicted to be tolerated by in silico analysis. Based on the available evidence, the clinical significance of this variant remains unclear.

Labcorp Genetics (formerly Invitae), Labcorp
Classification: Uncertain significance. Last evaluated: 2024-12-04. Review status: criteria provided, single submitter. Criteria: Invitae Variant Classification Sherloc (09022015). Collection method: clinical testing. Allele origin: germline.
Comment: This sequence change replaces threonine, which is neutral and polar, with serine, which is neutral and polar, at codon 124 of the XRCC2 protein (p.Thr124Ser). This variant is not present in population databases (gnomAD no frequency). This variant has not been reported in the literature in individuals affected with XRCC2-related conditions. Invitae Evidence Modeling of protein sequence and biophysical properties (such as structural, functional, and spatial information, amino acid conservation, physicochemical variation, residue mobility, and thermodynamic stability) indicates that this missense variant is not expected to disrupt XRCC2 protein function with a negative predictive value of 80%. In summary, the available evidence is currently insufficient to determine the role of this variant in disease. Therefore, it has been classified as a Variant of Uncertain Significance.

NM_005431.2(XRCC2):c.371C>G (p.Thr124Ser)

Gene: XRCC2 (X-ray repair cross complementing 2; minus strand). Cytogenetic location: 7q36.1.
Variant type: single nucleotide variant.
Coding change: c.371C>G on transcript NM_005431.2 (MANE Select); coding-DNA position 371, C replaced by G.
Protein change: p.Thr124Ser; replaces threonine 124 with serine.
Molecular consequence: missense variant.
Genome position (GRCh38, 1-based): chr7:152,649,114, G>C on the plus strand (C>G on the coding strand, the complement: XRCC2 is on the minus strand). VCF-style: chr7-152649114-G-C. GRCh37 (hg19) VCF-style: chr7-152346199-G-C.
Other names: c.371C>G (NM_005431.1); short protein forms T124S.
Identifiers: ClinVar variation 3658333 (VCV003658333.3).